The following is an entry in ClinVar:

NM_004360.5(CDH1):c.179G>C (p.Cys60Ser)

Gene: CDH1 (cadherin 1; plus strand). Cytogenetic location: 16q22.1.
Variant type: single nucleotide variant.
Coding change: c.179G>C on transcript NM_004360.5 (MANE Select); coding-DNA position 179, G replaced by C.
Protein change: p.Cys60Ser; replaces cysteine 60 with serine.
Molecular consequence: missense variant. On other transcripts: 5 prime UTR variant (2).
Genome position (GRCh38, 1-based): chr16:68,801,685, G>C. VCF-style: chr16-68801685-G-C. GRCh37 (hg19) VCF-style: chr16-68835588-G-C.
Other names: c.179G>C, p.Cys60Ser (NM_001317184.2); c.-1437G>C (NM_001317185.2); c.-1641G>C (NM_001317186.2); short protein forms C60S.
Identifiers: ClinVar variation 954148 (VCV000954148.10), dbSNP rs1960504905, ClinGen allele CA396457110.

ClinVar aggregate classification (germline): Uncertain significance (1 of 4 stars; one submission).

Conditions:
Hereditary diffuse gastric adenocarcinoma (HDGC). Also called: DIFFUSE GASTRIC AND LOBULAR BREAST CANCER SYNDROME. Identifiers: Orphanet 26106, MedGen C1708349, MONDO:0007648, OMIM 137215.

Submission:

Labcorp Genetics (formerly Invitae), Labcorp
Classification: Uncertain significance for Hereditary diffuse gastric adenocarcinoma. Last evaluated: 2019-09-09. Review status: criteria provided, single submitter. Criteria: Invitae Variant Classification Sherloc (09022015). Collection method: clinical testing. Allele origin: germline.
Comment: Algorithms developed to predict the effect of missense changes on protein structure and function are either unavailable or do not agree on the potential impact of this missense change (SIFT: "Deleterious"; PolyPhen-2: "Probably Damaging"; Align-GVGD: "Class C0"). In summary, the available evidence is currently insufficient to determine the role of this variant in disease. Therefore, it has been classified as a Variant of Uncertain Significance. This variant has not been reported in the literature in individuals with CDH1-related conditions. This sequence change replaces cysteine with serine at codon 60 of the CDH1 protein (p.Cys60Ser). The cysteine residue is highly conserved and there is a moderate physicochemical difference between cysteine and serine. This variant is not present in population databases (ExAC no frequency).